The following is an entry in ClinVar:

NM_000478.6(ALPL):c.1361A>G (p.His454Arg)

Gene: ALPL (alkaline phosphatase, biomineralization associated; plus strand). Cytogenetic location: 1p36.12.
Variant type: single nucleotide variant.
Coding change: c.1361A>G on transcript NM_000478.6 (MANE Select); coding-DNA position 1361, A replaced by G.
Protein change: p.His454Arg; replaces histidine 454 with arginine.
Molecular consequence: missense variant.
Genome position (GRCh38, 1-based): chr1:21,577,434, A>G. VCF-style: chr1-21577434-A-G. GRCh37 (hg19) VCF-style: chr1-21903927-A-G.
Other names: c.1196A>G, p.His399Arg (NM_001127501.4); c.1130A>G, p.His377Arg (NM_001177520.3); c.1361A>G, p.His454Arg (NM_001369803.2, NM_001369804.2, NM_001369805.2); short protein forms H377R, H399R, H454R.
Identifiers: ClinVar variation 4086898 (VCV004086898.1).

ClinVar aggregate classification (germline): Pathogenic (1 of 4 stars; one submission).

Conditions:
Hypophosphatasia. Also called: Phosphoethanol-aminuria. Identifiers: Orphanet 436, MedGen C0020630, MeSH D007014, MONDO:0018570.

Submission:

Genomenon, Inc
Classification: Pathogenic for Hypophosphatasia. Last evaluated: 2025-08-29. Review status: criteria provided, single submitter. Criteria: Genomenon Sequence Variant Interpretation Standards. Collection method: curation. Allele origin: germline. Affected: yes.
Comment: ALPL c.1361A>G is a missense variant that changes the amino acid at residue 454 from Histidine to Arginine. This variant has been observed in at least one proband affected with hypophosphatasia (PMID:19232125;32973344). At least one functional study has demonstrated a substantial alteration in protein function relative to the wild-type (PMID:32160374). It is absent or not present at a significant frequency in gnomAD. In silico models agree that this variant is possibly or probably damaging. In conclusion, we classify ALPL p.His454Arg (c.1361A>G) as a pathogenic variant.

Literature cited by the submitters: PubMed 19232125; PubMed 32973344; PubMed 32160374.